The following is an entry in ClinVar:

ClinVar aggregate classification (germline): Uncertain significance (1 of 4 stars; one submission).

Conditions:
Alagille syndrome due to a JAG1 point mutation. Also called: JAG1-Related Alagille Syndrome; HEPATIC DUCTULAR HYPOPLASIA, SYNDROMATIC; Alagille Syndrome 1. Identifiers: Orphanet 261619, Orphanet 52, MedGen C1956125, MONDO:0016862, OMIM 118450.

Allele frequency attached by ClinVar (database versions not stated): gnomAD 0.00001.

Submission:

Labcorp Genetics (formerly Invitae), Labcorp
Classification: Uncertain significance for Alagille syndrome due to a JAG1 point mutation. Last evaluated: 2025-09-08. Review status: criteria provided, single submitter. Criteria: Invitae Variant Classification Sherloc (09022015). Collection method: clinical testing. Allele origin: germline.
Comment: This sequence change replaces asparagine, which is neutral and polar, with serine, which is neutral and polar, at codon 542 of the JAG1 protein (p.Asn542Ser). This variant is not present in population databases (gnomAD no frequency). This variant has not been reported in the literature in individuals affected with JAG1-related conditions. ClinVar contains an entry for this variant (Variation ID: 1385875). Invitae Evidence Modeling of protein sequence and biophysical properties (such as structural, functional, and spatial information, amino acid conservation, physicochemical variation, residue mobility, and thermodynamic stability) indicates that this missense variant is not expected to disrupt JAG1 protein function with a negative predictive value of 95%. In summary, the available evidence is currently insufficient to determine the role of this variant in disease. Therefore, it has been classified as a Variant of Uncertain Significance.

NM_000214.3(JAG1):c.1625A>G (p.Asn542Ser)

Gene: JAG1 (jagged canonical Notch ligand 1; minus strand). Cytogenetic location: 20p12.2.
Variant type: single nucleotide variant.
Coding change: c.1625A>G on transcript NM_000214.3 (MANE Select); coding-DNA position 1625, A replaced by G.
Protein change: p.Asn542Ser; replaces asparagine 542 with serine.
Molecular consequence: missense variant.
Genome position (GRCh38, 1-based): chr20:10,648,055, T>C on the plus strand (A>G on the coding strand, the complement: JAG1 is on the minus strand). VCF-style: chr20-10648055-T-C. GRCh37 (hg19) VCF-style: chr20-10628703-T-C.
Other names: short protein forms N542S.
Identifiers: ClinVar variation 1385875 (VCV001385875.6), dbSNP rs1221893646, ClinGen allele CA408236914.